The following is an entry in ClinVar:

ClinVar aggregate classification (germline): Conflicting classifications of pathogenicity. Review status: criteria provided, conflicting classifications (1 of 4 stars). 2 submissions from 2 submitters: Uncertain significance (1); Likely benign (1). Last evaluated 2025-11-11.

Conditions:
Rhabdoid tumor predisposition syndrome 2 (RTPS2). Identifiers: Orphanet 231108, Orphanet 69077, MedGen C2750074, MONDO:0013224, OMIM 613325.
Hereditary cancer-predisposing syndrome. Also called: Hereditary Cancer Syndrome; Neoplastic Syndromes, Hereditary; Tumor predisposition; Hereditary neoplastic syndrome. Identifiers: Orphanet 140162, MedGen C0027672, MeSH D009386, MONDO:0015356.

Allele frequency attached by ClinVar (database versions not stated): gnomAD exomes below 0.00001; ExAC 0.00001.
gnomAD v4.1: 16 of 1,599,692 alleles (0.001%); highest among the groups gnomAD compares: Non-Finnish European, 0.0013%; no homozygotes.

Submissions (2):

Labcorp Genetics (formerly Invitae), Labcorp
Classification: Uncertain significance for Rhabdoid tumor predisposition syndrome 2. Last evaluated: 2025-11-11. Review status: criteria provided, single submitter. Criteria: Invitae Variant Classification Sherloc (09022015). Collection method: clinical testing. Allele origin: germline.
Comment: This sequence change replaces cysteine, which is neutral and slightly polar, with tyrosine, which is neutral and polar, at codon 1417 of the SMARCA4 protein (p.Cys1417Tyr). The frequency data for this variant in the population databases is considered unreliable, as metrics indicate poor data quality at this position in the gnomAD database. This variant has not been reported in the literature in individuals affected with SMARCA4-related conditions. ClinVar contains an entry for this variant (Variation ID: 480647). An algorithm developed to predict the effect of missense changes on protein structure and function (PolyPhen-2) suggests that this variant is likely to be tolerated. In summary, the available evidence is currently insufficient to determine the role of this variant in disease. Therefore, it has been classified as a Variant of Uncertain Significance.

Ambry Genetics
Classification: Likely benign for Hereditary cancer-predisposing syndrome. Last evaluated: 2022-10-24. Review status: criteria provided, single submitter. Criteria: Ambry Variant Classification Scheme 2023. Collection method: clinical testing. Allele origin: germline.

NM_001387283.1(SMARCA4):c.4250G>A (p.Cys1417Tyr)

Gene: SMARCA4 (SWI/SNF related BAF chromatin remodeling complex subunit ATPase 4; plus strand). Cytogenetic location: 19p13.2.
Variant type: single nucleotide variant.
Coding change: c.4250G>A on transcript NM_001387283.1 (MANE Plus Clinical); coding-DNA position 4250, G replaced by A.
Protein change: p.Cys1417Tyr; replaces cysteine 1417 with tyrosine.
Molecular consequence: missense variant. On other transcripts: intron variant (7).
Genome position (GRCh38, 1-based): chr19:11,039,537, G>A. VCF-style: chr19-11039537-G-A. GRCh37 (hg19) VCF-style: chr19-11150213-G-A.
Other names: c.4250G>A, p.Cys1417Tyr (NM_001128849.3); c.4171-1770G>A (NM_001128844.3, NM_003072.5); c.4072-1770G>A (NM_001128847.4, NM_001374457.1, NM_001128848.2); c.4072-1761G>A (NM_001128845.2, NM_001128846.2); short protein forms C1417Y.
Identifiers: ClinVar variation 480647 (VCV000480647.12), dbSNP rs772645133, ClinGen allele CA9204641.